The following is an entry in ClinVar:

NM_144670.6(A2ML1):c.581G>A (p.Gly194Asp)

Gene: A2ML1 (alpha-2-macroglobulin like 1; plus strand). Cytogenetic location: 12p13.31.
Variant type: single nucleotide variant.
Coding change: c.581G>A on transcript NM_144670.6 (MANE Select); coding-DNA position 581, G replaced by A.
Protein change: p.Gly194Asp; replaces glycine 194 with aspartic acid.
Molecular consequence: missense variant.
Genome position (GRCh38, 1-based): chr12:8,835,604, G>A. VCF-style: chr12-8835604-G-A. GRCh37 (hg19) VCF-style: chr12-8988200-G-A.
Other names: short protein forms G194D.
Identifiers: ClinVar variation 2092540 (VCV002092540.4), dbSNP rs1447064258, ClinGen allele CA383821442.
Genomic context (GRCh38, chr12:8,835,604, plus strand): 5'-TGGTACCTGAGCAAGGCATTGTAGACCTGTCCTTCCAACTGGCACCAGAGGCAATGCTGG[G>A]CACCTACACTGTGGCAGTGGCTGAGGGCAAGACCTTTGGTACTTTCAGTGTGGAGGAATA-3'
Protein context (NP_653271.3, residues 184-204): SFQLAPEAML[Gly194Asp]TYTVAVAEGK

ClinVar aggregate classification (germline): Uncertain significance (1 of 4 stars; one submission).

Submission:

Labcorp Genetics (formerly Invitae), Labcorp
Classification: Uncertain significance. Last evaluated: 2022-02-03. Review status: criteria provided, single submitter. Criteria: Invitae Variant Classification Sherloc (09022015). Collection method: clinical testing. Allele origin: germline.
Comment: In summary, the available evidence is currently insufficient to determine the role of this variant in disease. Therefore, it has been classified as a Variant of Uncertain Significance. Algorithms developed to predict the effect of missense changes on protein structure and function are either unavailable or do not agree on the potential impact of this missense change (SIFT: "Deleterious"; PolyPhen-2: "Probably Damaging"; Align-GVGD: "Class C0"). This variant has not been reported in the literature in individuals affected with A2ML1-related conditions. This variant is not present in population databases (gnomAD no frequency). This sequence change replaces glycine, which is neutral and non-polar, with aspartic acid, which is acidic and polar, at codon 194 of the A2ML1 protein (p.Gly194Asp).